The following is an entry in ClinVar:

NM_001291303.3(FAT4):c.569C>T (p.Thr190Ile)

Gene: FAT4 (FAT atypical cadherin 4; plus strand). Cytogenetic location: 4q28.1.
Variant type: single nucleotide variant.
Coding change: c.569C>T on transcript NM_001291303.3 (MANE Select); coding-DNA position 569, C replaced by T.
Protein change: p.Thr190Ile; replaces threonine 190 with isoleucine.
Molecular consequence: missense variant.
Genome position (GRCh38, 1-based): chr4:125,316,980, C>T. VCF-style: chr4-125316980-C-T. GRCh37 (hg19) VCF-style: chr4-126238135-C-T.
Other names: c.569C>T, p.Thr190Ile (NM_001291285.3, NM_024582.6); short protein forms T190I.
Identifiers: ClinVar variation 2041939 (VCV002041939.4), dbSNP rs1179594809, ClinGen allele CA358116074.

ClinVar aggregate classification (germline): Uncertain significance (1 of 4 stars; one submission).

Allele frequency attached by ClinVar (database versions not stated): TOPMed below 0.00001; gnomAD exomes 0.00001.
gnomAD v4.1: 3 of 1,614,010 alleles (0.00019%); highest among the groups gnomAD compares: Non-Finnish European, 0.00025%; no homozygotes.

Submission:

Labcorp Genetics (formerly Invitae), Labcorp
Classification: Uncertain significance. Last evaluated: 2021-12-28. Review status: criteria provided, single submitter. Criteria: Invitae Variant Classification Sherloc (09022015). Collection method: clinical testing. Allele origin: germline.
Comment: This variant is not present in population databases (gnomAD no frequency). This sequence change replaces threonine, which is neutral and polar, with isoleucine, which is neutral and non-polar, at codon 190 of the FAT4 protein (p.Thr190Ile). This variant has not been reported in the literature in individuals affected with FAT4-related conditions. In summary, the available evidence is currently insufficient to determine the role of this variant in disease. Therefore, it has been classified as a Variant of Uncertain Significance. Advanced modeling of protein sequence and biophysical properties (such as structural, functional, and spatial information, amino acid conservation, physicochemical variation, residue mobility, and thermodynamic stability) performed at Invitae indicates that this missense variant is not expected to disrupt FAT4 protein function.